The following is an entry in ClinVar:

NM_012120.3(CD2AP):c.313_314inv (p.Lys105Leu)

Gene: CD2AP (CD2 associated protein; plus strand). Cytogenetic location: 6p12.3.
Variant type: Inversion.
Coding change: c.313_314inv on transcript NM_012120.3 (MANE Select).
Protein change: p.Lys105Leu; replaces lysine 105 with leucine.
Molecular consequence: missense variant.
Genome position: GRCh38 VCF-style: chr6-47533749-AA-TT. GRCh37 (hg19) VCF-style: chr6-47501485-AA-TT.
Other names: short protein forms K105L.
Identifiers: ClinVar variation 2631173 (VCV002631173.1), ClinGen allele CA2695198891.

ClinVar aggregate classification (germline): Uncertain significance (1 of 4 stars; one submission).

Conditions:
CD2AP-related disorder. Also called: CD2AP-related condition.

Submission:

PreventionGenetics, part of Exact Sciences
Classification: Uncertain significance for CD2AP-related condition. Last evaluated: 2023-08-02. Review status: criteria provided, single submitter. Criteria: ACMG Guidelines, 2015. Collection method: clinical testing. Allele origin: germline.
Comment: The CD2AP c.313_314delinsTT variant is predicted to result in an in-frame deletion and insertion. To our knowledge, this variant has not been reported in the literature or in a large population database, indicating this variant is rare. At this time, the clinical significance of this variant is uncertain due to the absence of conclusive functional and genetic evidence.